The following is an entry in ClinVar:

ClinVar aggregate classification (germline): Uncertain significance (1 of 4 stars; one submission).

Allele frequency attached by ClinVar (database versions not stated): TOPMed below 0.00001; gnomAD 0.00001.
gnomAD v4.1: 5 of 1,598,700 alleles (0.00031%); highest among the groups gnomAD compares: South Asian, 0.0033%; no homozygotes.

Submission:

GeneDx
Classification: Uncertain significance. Last evaluated: 2022-06-30. Review status: criteria provided, single submitter. Criteria: GeneDx Variant Classification Process June 2021. Collection method: clinical testing. Allele origin: germline. Affected: yes.
Comment: Not observed at significant frequency in large population cohorts (gnomAD); Has not been previously published as pathogenic or benign to our knowledge; Canonical splice site variant in a gene for which loss-of-function is not a known mechanism of disease

NM_014915.3(ANKRD26):c.1462+1G>A

Gene: ANKRD26 (ankyrin repeat domain containing 26; minus strand). Cytogenetic location: 10p12.1.
Variant type: single nucleotide variant.
Coding change: c.1462+1G>A on transcript NM_014915.3 (MANE Select); the canonical splice donor site of the intron after coding-DNA position 1462, G replaced by A.
Molecular consequence: splice donor variant.
Genome position (GRCh38, 1-based): chr10:27,061,143, C>T on the plus strand (G>A on the coding strand, the complement: ANKRD26 is on the minus strand). VCF-style: chr10-27061143-C-T. GRCh37 (hg19) VCF-style: chr10-27350072-C-T.
Other names: c.1462+1G>A (NM_001256053.2).
Identifiers: ClinVar variation 1810061 (VCV001810061.1), dbSNP rs987005249, ClinGen allele CA204421512.